The following is an entry in ClinVar:

NM_000256.3(MYBPC3):c.1889A>T (p.His630Leu)

Gene: MYBPC3 (myosin binding protein C3; minus strand). Cytogenetic location: 11p11.2.
Variant type: single nucleotide variant.
Coding change: c.1889A>T on transcript NM_000256.3 (MANE Select); coding-DNA position 1889, A replaced by T.
Protein change: p.His630Leu; replaces histidine 630 with leucine.
Molecular consequence: missense variant.
Genome position (GRCh38, 1-based): chr11:47,341,146, T>A on the plus strand (A>T on the coding strand, the complement: MYBPC3 is on the minus strand). VCF-style: chr11-47341146-T-A. GRCh37 (hg19) VCF-style: chr11-47362697-T-A.
Other names: short protein forms H630L.
Identifiers: ClinVar variation 920810 (VCV000920810.4), dbSNP rs745859544, ClinGen allele CA078356.

ClinVar aggregate classification (germline): Uncertain significance. Review status: criteria provided, multiple submitters, no conflicts (2 of 4 stars). 2 submissions from 2 submitters: Uncertain significance (2). Last evaluated 2025-11-09.

Conditions:
Cardiomyopathy (CMYO). Also called: Cardiomyopathies. Identifiers: Orphanet 167848, MedGen C0878544, MONDO:0004994, HP:0001638. Inheritance: Various modes of inheritance.
Hypertrophic cardiomyopathy. Also called: HYPERTROPHIC MYOCARDIOPATHY. Identifiers: Orphanet 217569, MedGen C0007194, MeSH D002312, MONDO:0005045, HP:0001639.

Allele frequency attached by ClinVar (database versions not stated): gnomAD exomes 0.00002; TOPMed 0.00002; ExAC 0.00004.
gnomAD v4.1: 1 of 1,594,284 alleles (0.000063%); highest among the groups gnomAD compares: East Asian, 0.0023%; no homozygotes.

Submissions (2):

Labcorp Genetics (formerly Invitae), Labcorp
Classification: Uncertain significance for Hypertrophic cardiomyopathy. Last evaluated: 2025-11-09. Review status: criteria provided, single submitter. Criteria: Invitae Variant Classification Sherloc (09022015). Collection method: clinical testing. Allele origin: germline.
Comment: This sequence change replaces histidine, which is basic and polar, with leucine, which is neutral and non-polar, at codon 630 of the MYBPC3 protein (p.His630Leu). This variant is present in population databases (rs745859544, gnomAD 0.03%). This variant has not been reported in the literature in individuals affected with MYBPC3-related conditions. ClinVar contains an entry for this variant (Variation ID: 920810). An algorithm developed to predict the effect of missense changes on protein structure and function (PolyPhen-2) suggests that this variant is likely to be tolerated. In summary, the available evidence is currently insufficient to determine the role of this variant in disease. Therefore, it has been classified as a Variant of Uncertain Significance.

Color Diagnostics, LLC DBA Color Health
Classification: Uncertain significance for Cardiomyopathy. Last evaluated: 2019-11-17. Review status: criteria provided, single submitter. Criteria: ACMG Guidelines, 2015. Collection method: clinical testing. Allele origin: germline.
Comment: This missense variant replaces histidine with leucine at codon 630 of the MYBPC3 protein. Computational prediction suggests that this variant may not impact protein structure and function (internally defined REVEL score threshold <= 0.5, PMID: 27666373). Splice site prediction tools suggest that this variant may not impact RNA splicing. To our knowledge, functional studies have not been performed for this variant. This variant has not been reported in individuals affected with cardiovascular disorders in the literature. This variant has been identified in 5/220076 chromosomes in the general population by the Genome Aggregation Database (gnomAD). The available evidence is insufficient to determine the role of this variant in disease conclusively. Therefore, this variant is classified as a Variant of Uncertain Significance.